The following is an entry in ClinVar:

NM_018139.3(DNAAF2):c.982G>A (p.Asp328Asn)

Gene: DNAAF2 (dynein axonemal assembly factor 2; minus strand). Cytogenetic location: 14q21.3.
Variant type: single nucleotide variant.
Coding change: c.982G>A on transcript NM_018139.3 (MANE Select); coding-DNA position 982, G replaced by A.
Protein change: p.Asp328Asn; replaces aspartic acid 328 with asparagine.
Molecular consequence: missense variant.
Genome position (GRCh38, 1-based): chr14:49,634,168, C>T on the plus strand (G>A on the coding strand, the complement: DNAAF2 is on the minus strand). VCF-style: chr14-49634168-C-T. GRCh37 (hg19) VCF-style: chr14-50100886-C-T.
Other names: c.982G>A, p.Asp328Asn (NM_001083908.2); short protein forms D328N.
Identifiers: ClinVar variation 662121 (VCV000662121.12), dbSNP rs201566715, ClinGen allele CA7172979.
Genomic context (GRCh38, chr14:49,634,168, plus strand): 5'-CTGGCAGCGTAACCACCAGCTGCCGCCGGGCCTTGTTGAATTGTGCCTTGCCGCGGCCAT[C>T]GTCCACTGGGTACGGGAGCGAGAGCCGCAGCCGGTAGTCAGGTTTCCTCGAGTCGAGGCA-3'
Protein context (NP_060609.2, residues 318-338): LRLSLPYPVD[Asp328Asn]GRGKAQFNKA

ClinVar aggregate classification (germline): Conflicting classifications of pathogenicity. Review status: criteria provided, conflicting classifications (1 of 4 stars). 4 submissions from 4 submitters: Uncertain significance (3); Likely benign (1). Last evaluated 2024-06-20.

Conditions:
Primary ciliary dyskinesia 10. Also called: CILIARY DYSKINESIA, PRIMARY, 10, WITH OR WITHOUT SITUS INVERSUS. Identifiers: Orphanet 244, MedGen C2675867, MONDO:0012918, OMIM 612518.
Primary ciliary dyskinesia. Also called: Ciliary dyskinesia. Identifiers: Orphanet 244, MedGen C0008780, MONDO:0016575, HP:0012265.

Allele frequency attached by ClinVar (database versions not stated): gnomAD exomes 0.00005 and 0.00013; 1000 Genomes Project 30x 0.00016; ExAC 0.00017; 1000 Genomes Project 0.00020; ESP Exome Variant Server 0.00041; gnomAD 0.00054 and 0.00061; TOPMed 0.00059.
gnomAD v4.1: 156 of 1,605,066 alleles (0.0097%); highest among the groups gnomAD compares: African/African-American, 0.15%; no homozygotes.

Submissions (4):

Blueprint Genetics
Classification: Uncertain significance. Last evaluated: 2024-06-20. Review status: criteria provided, single submitter. Criteria: ACMG Guidelines, 2015. Collection method: clinical testing. Allele origin: germline.

Ambry Genetics
Classification: Likely benign for Primary ciliary dyskinesia. Last evaluated: 2023-02-06. Review status: criteria provided, single submitter. Criteria: Ambry Variant Classification Scheme 2023. Collection method: clinical testing. Allele origin: germline.

Labcorp Genetics (formerly Invitae), Labcorp
Classification: Uncertain significance for Primary ciliary dyskinesia. Last evaluated: 2022-10-13. Review status: criteria provided, single submitter. Criteria: Invitae Variant Classification Sherloc (09022015). Collection method: clinical testing. Allele origin: germline.
Comment: This sequence change replaces aspartic acid, which is acidic and polar, with asparagine, which is neutral and polar, at codon 328 of the DNAAF2 protein (p.Asp328Asn). This variant is present in population databases (rs201566715, gnomAD 0.1%). This variant has not been reported in the literature in individuals affected with DNAAF2-related conditions. ClinVar contains an entry for this variant (Variation ID: 662121). Advanced modeling of protein sequence and biophysical properties (such as structural, functional, and spatial information, amino acid conservation, physicochemical variation, residue mobility, and thermodynamic stability) performed at Invitae indicates that this missense variant is expected to disrupt DNAAF2 protein function. In summary, the available evidence is currently insufficient to determine the role of this variant in disease. Therefore, it has been classified as a Variant of Uncertain Significance.

Revvity Omics, Revvity
Classification: Uncertain significance for Primary ciliary dyskinesia 10. Last evaluated: 2020-07-21. Review status: criteria provided, single submitter. Criteria: ACMG Guidelines, 2015. Collection method: clinical testing. Allele origin: germline.